The following is an entry in ClinVar:

ClinVar aggregate classification (germline): Benign (1 of 4 stars; one submission).

Conditions:
Lung cancer. Also called: Lung cancer, somatic; Malignant tumor of lung. Identifiers: MedGen C0242379, MONDO:0008903, OMIM 211980.

Submission:

Myriad Genetics, Inc.
Classification: Benign for Lung cancer. Last evaluated: 2024-10-17. Review status: criteria provided, single submitter. Criteria: Myriad Autosomal Dominant, Autosomal Recessive and X-Linked Classification Criteria (2023). Collection method: clinical testing. Allele origin: unknown.
Comment: This variant is considered benign. This variant is a silent/synonymous amino acid change and it is not expected to impact splicing.

NM_005228.5(EGFR):c.2565T>C (p.Asp855=)

Gene: EGFR (epidermal growth factor receptor; plus strand). Cytogenetic location: 7p11.2.
Variant type: single nucleotide variant.
Coding change: c.2565T>C on transcript NM_005228.5 (MANE Select); coding-DNA position 2565, T replaced by C.
Protein change: p.Asp855=; no amino-acid change (aspartic acid 855 retained).
Molecular consequence: synonymous variant.
Genome position (GRCh38, 1-based): chr7:55,191,814, T>C. VCF-style: chr7-55191814-T-C. GRCh37 (hg19) VCF-style: chr7-55259507-T-C.
Other names: c.2430T>C, p.Asp810= (NM_001346897.2, NM_001346899.2); c.2565T>C, p.Asp855= (NM_001346898.2); c.2406T>C, p.Asp802= (NM_001346900.2); c.1764T>C, p.Asp588= (NM_001346941.2).
Identifiers: ClinVar variation 3773413 (VCV003773413.1).